The following is an entry in ClinVar:

ClinVar aggregate classification (germline): Uncertain significance (1 of 4 stars; one submission).

Conditions:
Neuroblastoma, susceptibility to, 3. Also called: ALK-Related Neuroblastic Tumor Susceptibility. Identifiers: Orphanet 635, MedGen C2751681, MONDO:0013083, OMIM 613014.

Submission:

ARUP Laboratories, Molecular Genetics and Genomics, ARUP Laboratories
Classification: Uncertain significance for Neuroblastoma, susceptibility to, 3. Last evaluated: 2022-07-08. Review status: criteria provided, single submitter. Criteria: ARUP Molecular Germline Variant Investigation Process 2021. Collection method: clinical testing. Allele origin: germline.
Comment: The ALK c.2456_2470dup, p.Gly819_Gly823dup variant, to our knowledge, is not reported in the medical literature or gene specific databases. This variant is absent from the Genome Aggregation Database, indicating it is not a common polymorphism. This variant is a duplication of 5 residues, leaving the rest of the protein in-frame. Due to limited information, the clinical significance of this variant is uncertain at this time.

NM_004304.5(ALK):c.2456_2470dup (p.Gly823_Ala824insGlyGlyGlyGlyGly)

Gene: ALK (ALK receptor tyrosine kinase; minus strand). Cytogenetic location: 2p23.2.
Variant type: Duplication.
Coding change: c.2456_2470dup on transcript NM_004304.5 (MANE Select); coding-DNA positions 2456 to 2470, 15 bases duplicated (GAGGAGGGGGTGGAG).
Protein change: p.Gly823_Ala824insGlyGlyGlyGlyGly.
Molecular consequence: inframe insertion.
Genome position (GRCh38, 1-based): chr2:29,233,582-29,233,596, CTCCACCCCCTCCTC duplicated on the plus strand (GAGGAGGGGGTGGAG on the coding strand, the reverse complement: ALK is on the minus strand); duplicating any 15 consecutive bases within chr2:29,233,582-29,233,600 gives the same sequence; the c. name uses the placement nearest the transcript's 3' end. VCF-style (leftmost placement, unchanged base first): chr2-29233581-G-GCTCCACCCCCTCCTC. GRCh37 (hg19) VCF-style: chr2-29456447-G-GCTCCACCCCCTCCTC.
Identifiers: ClinVar variation 2428714 (VCV002428714.3), dbSNP rs2465989573, ClinGen allele CA2580066285.